The following is an entry in ClinVar:

NM_002474.3(MYH11):c.1812T>C (p.Thr604=)

Gene: MYH11 (myosin heavy chain 11; minus strand). Cytogenetic location: 16p13.11.
Variant type: single nucleotide variant.
Coding change: c.1812T>C on transcript NM_002474.3 (MANE Select); coding-DNA position 1812, T replaced by C.
Protein change: p.Thr604=; no amino-acid change (threonine 604 retained).
Molecular consequence: synonymous variant.
Genome position (GRCh38, 1-based): chr16:15,753,446, A>G on the plus strand (T>C on the coding strand, the complement: MYH11 is on the minus strand). VCF-style: chr16-15753446-A-G. GRCh37 (hg19) VCF-style: chr16-15847303-A-G.
Other names: c.1833T>C, p.Thr611= (NM_001040113.2, NM_001040114.2); c.1812T>C, p.Thr604= (NM_022844.3).
Identifiers: ClinVar variation 3387229 (VCV003387229.3).

ClinVar aggregate classification (germline): Likely benign. Review status: criteria provided, multiple submitters, no conflicts (2 of 4 stars). 2 submissions from 2 submitters: Likely benign (2). Last evaluated 2024-07-29.

Conditions:
Aortic aneurysm, familial thoracic 4 (AAT4). Also called: AORTIC ANEURYSM/AORTIC DISSECTION AND PATENT DUCTUS ARTERIOSUS. Identifiers: MedGen C1851504, MONDO:0007568, OMIM 132900.
Familial thoracic aortic aneurysm and aortic dissection (TAAD). Also called: Thoracic aortic aneurysms and dissections. Identifiers: Orphanet 91387, MedGen C4707243, MONDO:0019625.

gnomAD v4.1: 1 of 1,614,148 alleles (0.000062%); highest among the groups gnomAD compares: Non-Finnish European, 0.000085%; no homozygotes.

Submissions (2):

All of Us Research Program, National Institutes of Health
Classification: Likely benign for Familial thoracic aortic aneurysm and aortic dissection. Last evaluated: 2024-07-29. Review status: criteria provided, single submitter. Criteria: ACMG Guidelines, 2015. Collection method: clinical testing. Allele origin: germline. Inheritance: Autosomal dominant inheritance. Observed: 1 variant allele, 1 heterozygote.
Comment: This study involves interpretation of variants in research participants for the purpose of population health screening. Participant phenotype was not available at the time of variant classification. Additional details can be found in publication PMID: 35346344, PMCID: PMC8962531

Labcorp Genetics (formerly Invitae), Labcorp
Classification: Likely benign for Aortic aneurysm, familial thoracic 4. Last evaluated: 2024-04-25. Review status: criteria provided, single submitter. Criteria: Invitae Variant Classification Sherloc (09022015). Collection method: clinical testing. Allele origin: germline.